The following is an entry in ClinVar:

ClinVar aggregate classification (germline): Likely pathogenic (1 of 4 stars; one submission).

Conditions:
Amyloidosis, hereditary systemic 1 (AMYLD1). Also called: Familial amyloid polyneuropathy; AMYLOID CARDIOMYOPATHY; Transthyretin Amyloidosis; Hereditary oculoleptomeningeal amyloid angiopathy; Familial Transthyretin Amyloidosis; Isolated Cardiac Amyloidosis. Identifiers: Orphanet 85447, Orphanet 85451, MedGen C2751492, MONDO:0971004, OMIM 105210.

Submission:

Labcorp Genetics (formerly Invitae), Labcorp
Classification: Likely pathogenic for Amyloidosis, hereditary systemic 1. Last evaluated: 2024-09-08. Review status: criteria provided, single submitter. Criteria: Invitae Variant Classification Sherloc (09022015). Collection method: clinical testing. Allele origin: germline.
Comment: This sequence change replaces alanine, which is neutral and non-polar, with valine, which is neutral and non-polar, at codon 140 of the TTR protein (p.Ala140Val). This variant is not present in population databases (gnomAD no frequency). This variant has not been reported in the literature in individuals affected with TTR-related conditions. Invitae Evidence Modeling of protein sequence and biophysical properties (such as structural, functional, and spatial information, amino acid conservation, physicochemical variation, residue mobility, and thermodynamic stability) indicates that this missense variant is expected to disrupt TTR protein function with a positive predictive value of 95%. This variant disrupts the p.Ala140 amino acid residue in TTR. Other variant(s) that disrupt this residue have been determined to be pathogenic (PMID: 12050338, 22592564, 26208957, 28635949). This suggests that this residue is clinically significant, and that variants that disrupt this residue are likely to be disease-causing. In summary, the currently available evidence indicates that the variant is pathogenic, but additional data are needed to prove that conclusively. Therefore, this variant has been classified as Likely Pathogenic.

Literature cited by the submitters: PubMed 12050338; PubMed 22592564; PubMed 26208957; PubMed 28635949.

NM_000371.4(TTR):c.419C>T (p.Ala140Val)

Gene: TTR (transthyretin; plus strand). Cytogenetic location: 18q12.1.
Variant type: single nucleotide variant.
Coding change: c.419C>T on transcript NM_000371.4 (MANE Select); coding-DNA position 419, C replaced by T.
Protein change: p.Ala140Val; replaces alanine 140 with valine.
Molecular consequence: missense variant.
Genome position (GRCh38, 1-based): chr18:31,598,650, C>T. VCF-style: chr18-31598650-C-T. GRCh37 (hg19) VCF-style: chr18-29178613-C-T.
Other names: short protein forms A140V.
Identifiers: ClinVar variation 3621650 (VCV003621650.2).